The following is an entry in ClinVar:

NM_000550.3(TYRP1):c.1505G>A (p.Arg502His)

Genes: LURAP1L-AS1 (LURAP1L antisense RNA 1; minus strand), TYRP1 (tyrosinase related protein 1; plus strand). Cytogenetic location: 9p23.
Variant type: single nucleotide variant.
Coding change: c.1505G>A on transcript NM_000550.3 (MANE Select); coding-DNA position 1505, G replaced by A.
Protein change: p.Arg502His; replaces arginine 502 with histidine.
Molecular consequence: missense variant.
Genome position (GRCh38, 1-based): chr9:12,709,073, G>A. VCF-style: chr9-12709073-G-A. GRCh37 (hg19) VCF-style: chr9-12709073-G-A.
Other names: short protein forms R502H.
Identifiers: ClinVar variation 914046 (VCV000914046.8), dbSNP rs371392847, ClinGen allele CA4985602.

ClinVar aggregate classification (germline): Uncertain significance. Review status: criteria provided, multiple submitters, no conflicts (2 of 4 stars). 2 submissions from 2 submitters: Uncertain significance (2). Last evaluated 2022-09-01.

Conditions:
Oculocutaneous albinism type 3 (OCA3). Also called: Rufous OCA; Rufous albinism; ALBINISM III; RUFOUS OCULOCUTANEOUS ALBINISM; XANTHISM; Albinism, oculocutaneous, type III. Identifiers: Orphanet 79433, MedGen C0342683, MONDO:0008747, OMIM 203290.

Allele frequency attached by ClinVar (database versions not stated): gnomAD exomes 0.00002; ExAC 0.00003; gnomAD 0.00005; TOPMed 0.00006; ESP Exome Variant Server 0.00008.
gnomAD v4.1: 44 of 1,612,638 alleles (0.0027%); highest among the groups gnomAD compares: Non-Finnish European, 0.0032%; no homozygotes.

Submissions (2):

Labcorp Genetics (formerly Invitae), Labcorp
Classification: Uncertain significance. Last evaluated: 2022-09-01. Review status: criteria provided, single submitter. Criteria: Invitae Variant Classification Sherloc (09022015). Collection method: clinical testing. Allele origin: germline.
Comment: This sequence change replaces arginine, which is basic and polar, with histidine, which is basic and polar, at codon 502 of the TYRP1 protein (p.Arg502His). This variant is present in population databases (rs371392847, gnomAD 0.007%). This variant has not been reported in the literature in individuals affected with TYRP1-related conditions. ClinVar contains an entry for this variant (Variation ID: 914046). Algorithms developed to predict the effect of missense changes on protein structure and function output the following: SIFT: "Deleterious"; PolyPhen-2: "Benign"; Align-GVGD: "Class C0". The histidine amino acid residue is found in multiple mammalian species, which suggests that this missense change does not adversely affect protein function. In summary, the available evidence is currently insufficient to determine the role of this variant in disease. Therefore, it has been classified as a Variant of Uncertain Significance.

Illumina Laboratory Services, Illumina
Classification: Uncertain significance for Oculocutaneous albinism type 3. Last evaluated: 2018-01-13. Review status: criteria provided, single submitter. Criteria: ICSL Variant Classification Criteria 13 December 2019. Collection method: clinical testing. Allele origin: germline.